The following is an entry in ClinVar:

NM_000719.7(CACNA1C):c.4726+21del

Genes: CACNA1C (calcium voltage-gated channel subunit alpha1 C; plus strand), CACNA1C-AS2 (CACNA1C antisense RNA 2; minus strand). Cytogenetic location: 12p13.33.
Variant type: Deletion.
Coding change: c.4726+21del on transcript NM_000719.7 (MANE Select); 21 bases into the intron after coding-DNA position 4726, one base deleted (T; older notation c.4726+21delT).
Molecular consequence: intron variant.
Genome position (GRCh38, 1-based): chr12:2,669,056, T deleted. VCF-style (leftmost placement, unchanged base first): chr12-2669055-CT-C. GRCh37 (hg19) VCF-style: chr12-2778221-CT-C.
Other names: c.4726+21del (NM_001167624.3, NM_001167623.2, NM_001129840.2 and 7 more transcripts); c.4693+21del (NM_001167625.2, NM_001129837.2, NM_001129838.2 and 1 more transcripts); c.4870+21del (NM_199460.4, NM_001129827.2); c.4786+21del (NM_001129832.2); c.4810+21del (NM_001129831.2); c.4792+21del (NM_001129829.2); c.4687+21del (NM_001129839.2); c.4777+21del (NM_001129836.2); and 1 more.
Identifiers: ClinVar variation 4985873 (VCV004985873.1).
Genomic context (GRCh38, chr12:2,669,055, plus strand): 5'-GTTTGCCCTGGTCAGGACGGCCCTGAGGATCAAAACAGAAGGTAAGGTCGCCCGTGGGCA[CT>C]GGGAGAGACACTCAGAAGGTCTAGCAGACAATCAGAGAGGAGCTCGGCAGCCTGCAAAGT-3'

ClinVar aggregate classification (germline): Likely benign (1 of 4 stars; one submission).

Conditions:
CACNA1C-related disorder. Also called: CACNA1C-related condition; CACNA1C-related disorders. Identifiers: MedGen CN381092, MONDO:0700321.

Submission:

PreventionGenetics, part of Exact Sciences
Classification: Likely benign for CACNA1C-related condition. Last evaluated: 2025-03-06. Review status: criteria provided, single submitter. Criteria: ACMG Guidelines, 2015. Collection method: clinical testing. Allele origin: germline.
Comment: This variant is classified as likely benign based on ACMG/AMP sequence variant interpretation guidelines (Richards et al. 2015 PMID: 25741868, with internal and published modifications).